The following is an entry in ClinVar:

NM_025247.6(ACAD10):c.1387G>A (p.Asp463Asn)

Gene: ACAD10 (acyl-CoA dehydrogenase family member 10; plus strand). Cytogenetic location: 12q24.12.
Variant type: single nucleotide variant.
Coding change: c.1387G>A on transcript NM_025247.6 (MANE Select); coding-DNA position 1387, G replaced by A.
Protein change: p.Asp463Asn; replaces aspartic acid 463 with asparagine.
Molecular consequence: missense variant.
Genome position (GRCh38, 1-based): chr12:111,729,949, G>A. VCF-style: chr12-111729949-G-A. GRCh37 (hg19) VCF-style: chr12-112167753-G-A.
Other names: c.1480G>A, p.Asp494Asn (NM_001136538.2); short protein forms D463N, D494N.
Identifiers: ClinVar variation 2643331 (VCV002643331.24), dbSNP rs36046440, ClinGen allele CA6792019.
Genomic context (GRCh38, chr12:111,729,949, plus strand): 5'-CTGATCGAATGGCTGCCCCTCCATCTTCCCCGTCAGCAGAGGACCACAGTGGTGCACGGG[G>A]ACTTCAGGTAGATGTGGTGGCAGGGAGAGCTGAAAAATGACAGCAAGGATGCTCCAAGGG-3'
Protein context (NP_079523.3, residues 453-473): RQQRTTVVHG[Asp463Asn]FRLDNLVFHP

ClinVar aggregate classification (germline): Likely benign (1 of 4 stars; one submission).

Allele frequency attached by ClinVar (database versions not stated): 1000 Genomes Project 30x 0.00203; 1000 Genomes Project 0.00220; ESP Exome Variant Server 0.00284; TOPMed 0.00291; gnomAD 0.00357; ExAC 0.00472; gnomAD exomes 0.00475.
gnomAD v4.1: 7,455 of 1,613,718 alleles (0.46%); highest among the groups gnomAD compares: Non-Finnish European, 0.53%; 25 homozygotes.

Submission:

CeGaT Center for Human Genetics Tuebingen
Classification: Likely benign. Last evaluated: 2022-12-01. Review status: criteria provided, single submitter. Criteria: CeGaT Center For Human Genetics Tuebingen Variant Classification Criteria Version 2. Collection method: clinical testing. Allele origin: germline. Affected: yes. Observed: 2 variant alleles.
Comment: ACAD10: BS2